The following is an entry in ClinVar:

NM_006086.4(TUBB3):c.507C>T (p.Val169=)

Gene: TUBB3 (tubulin beta 3 class III; plus strand). Cytogenetic location: 16q24.3.
Variant type: single nucleotide variant.
Coding change: c.507C>T on transcript NM_006086.4 (MANE Select); coding-DNA position 507, C replaced by T.
Protein change: p.Val169=; no amino-acid change (valine 169 retained).
Molecular consequence: synonymous variant.
Genome position (GRCh38, 1-based): chr16:89,934,958, C>T. VCF-style: chr16-89934958-C-T. GRCh37 (hg19) VCF-style: chr16-90001366-C-T.
Other names: c.291C>T, p.Val97= (NM_001197181.2).
Identifiers: ClinVar variation 289724 (VCV000289724.16), dbSNP rs373718068, ClinGen allele CA8256120.
Genomic context (GRCh38, chr16:89,934,958, plus strand): 5'-GTTGCTCATCAGCAAGGTGCGTGAGGAGTATCCCGACCGCATCATGAACACCTTCAGCGT[C>T]GTGCCCTCACCCAAGGTGTCAGACACGGTGGTGGAGCCCTACAACGCCACGCTGTCCATC-3'
Protein context (NP_006077.2, residues 159-179): YPDRIMNTFS[Val169=]VPSPKVSDTV

ClinVar aggregate classification (germline): Conflicting classifications of pathogenicity. Review status: criteria provided, conflicting classifications (1 of 4 stars). 6 submissions from 6 submitters: Uncertain significance (1); Benign (1); Likely benign (3). 1 of the submissions does not count toward it. Last evaluated 2026-10-01.

Conditions:
TUBB3-related disorder. Also called: TUBB3-related condition; TUBB3-related disorders.

Allele frequency attached by ClinVar (database versions not stated): gnomAD 0.00031 and 0.00033; ESP Exome Variant Server 0.00038; gnomAD exomes 0.00061 and 0.00024; ExAC 0.00021; TOPMed 0.00028.
gnomAD v4.1: 933 of 1,614,090 alleles (0.058%); highest among the groups gnomAD compares: Non-Finnish European, 0.074%; 1 homozygote.

Submissions (6):

CeGaT Center for Human Genetics Tuebingen
Classification: Likely benign. Last evaluated: 2026-10-01. Review status: criteria provided, single submitter. Criteria: CeGaT Center For Human Genetics Tuebingen Variant Classification Criteria Version 2. Collection method: clinical testing. Allele origin: germline. Affected: yes. Observed: 1 variant allele.
Comment: TUBB3: BP4, BP7

Labcorp Genetics (formerly Invitae), Labcorp
Classification: Likely benign. Last evaluated: 2025-12-10. Review status: criteria provided, single submitter. Criteria: Invitae Variant Classification Sherloc (09022015). Collection method: clinical testing. Allele origin: germline.

Blueprint Genetics
Classification: Likely benign. Last evaluated: 2024-06-03. Review status: criteria provided, single submitter. Criteria: ACMG Guidelines, 2015. Collection method: clinical testing. Allele origin: germline.

GeneDx
Classification: Benign. Last evaluated: 2021-01-11. Review status: criteria provided, single submitter. Criteria: GeneDx Variant Classification Process June 2021. Collection method: clinical testing. Allele origin: germline. Affected: yes.

Eurofins Ntd Llc (ga)
Classification: Uncertain significance. Last evaluated: 2016-08-09. Review status: criteria provided, single submitter. Criteria: EGL Classification Definitions 2015. Collection method: clinical testing. Allele origin: germline. Observed: 1 variant allele, 1 heterozygote.

PreventionGenetics, part of Exact Sciences
Classification: Likely benign for TUBB3-related condition. Last evaluated: 2019-11-11. Review status: no assertion criteria provided. Collection method: clinical testing. Allele origin: germline. Not counted in ClinVar's aggregate classification.
Comment: This variant is classified as likely benign based on ACMG/AMP sequence variant interpretation guidelines (Richards et al. 2015 PMID: 25741868, with internal and published modifications).